The following is an entry in ClinVar:

NM_022114.4(PRDM16):c.1506G>A (p.Thr502=)

Gene: PRDM16 (PR/SET domain 16; plus strand). Cytogenetic location: 1p36.32.
Variant type: single nucleotide variant.
Coding change: c.1506G>A on transcript NM_022114.4 (MANE Select); coding-DNA position 1506, G replaced by A.
Protein change: p.Thr502=; no amino-acid change (threonine 502 retained).
Molecular consequence: synonymous variant.
Genome position (GRCh38, 1-based): chr1:3,411,703, G>A. VCF-style: chr1-3411703-G-A. GRCh37 (hg19) VCF-style: chr1-3328267-G-A.
Other names: c.1506G>A, p.Thr502= (NM_199454.3).
Identifiers: ClinVar variation 954728 (VCV000954728.21), dbSNP rs375543158, ClinGen allele CA544209.
Genomic context (GRCh38, chr1:3,411,703, plus strand): 5'-CCTGGGCTTCAACGAGTACTTTCCCTCCAGGCCGCACCCGGGGAGCCTGCCCTTCTCCAC[G>A]GCGCCTCCCACGTTCCCCGCACTCACCCCCGGCTTCCCGGGCATCTTCCCTCCATCCTTG-3'
Protein context (NP_071397.3, residues 492-512): RPHPGSLPFS[Thr502=]APPTFPALTP

ClinVar aggregate classification (germline): Conflicting classifications of pathogenicity. Review status: criteria provided, conflicting classifications (1 of 4 stars). 4 submissions from 4 submitters: Uncertain significance (1); Likely benign (2). 1 of the submissions does not count toward it. Last evaluated 2025-05-01.

Conditions:
PRDM16-related disorder. Also called: PRDM16-related condition.
Left ventricular noncompaction 8 (LVNC8). Identifiers: Orphanet 154, Orphanet 54260, MedGen C3809288, MONDO:0014152, OMIM 615373.

Allele frequency attached by ClinVar (database versions not stated): TOPMed below 0.00001; gnomAD exomes 0.00001 and 0.00002; ExAC 0.00003; ESP Exome Variant Server 0.00008.
gnomAD v4.1: 17 of 1,610,022 alleles (0.0011%); highest among the groups gnomAD compares: South Asian, 0.0022%; no homozygotes.

Submissions (5):

CeGaT Center for Human Genetics Tuebingen
Classification: Likely benign. Last evaluated: 2025-05-01. Review status: criteria provided, single submitter. Criteria: CeGaT Center For Human Genetics Tuebingen Variant Classification Criteria Version 2. Collection method: clinical testing. Allele origin: germline. Affected: yes. Observed: 1 variant allele.
Comment: PRDM16: BP4, BP7

Clinical Genomics Laboratory, Washington University in St. Louis
Classification: Uncertain significance for Left ventricular noncompaction 8. Last evaluated: 2025-04-25. Review status: criteria provided, single submitter. Criteria: ACMG Guidelines, 2015. Collection method: clinical testing. Allele origin: germline.
Comment: The PRDM16 c.1506>A (p.Thr502=) variant, to our knowledge, has not been reported in the medical literature. This variant is only observed on 4 out of 246,256 alleles in the general population (gnomAD v2.1.1), indicating it is not a common variant. Computational predictors indicate that the variant has no impact on splicing, evidence that this variant does not have a damaging effect on PRDM16 function. This variant has been reported in the ClinVar database as a germline likely benign variant by two submitters (Variation ID: 954728). Due to limited information, the clinical significance of this variant is uncertain.

Labcorp Genetics (formerly Invitae), Labcorp
Classification: Likely benign for Left ventricular noncompaction 8. Last evaluated: 2024-03-12. Review status: criteria provided, single submitter. Criteria: Invitae Variant Classification Sherloc (09022015). Collection method: clinical testing. Allele origin: germline.

PreventionGenetics, part of Exact Sciences
Classification: Likely benign for PRDM16-related condition. Last evaluated: 2024-01-01. Review status: no assertion criteria provided. Collection method: clinical testing. Allele origin: germline. Not counted in ClinVar's aggregate classification.
Comment: This variant is classified as likely benign based on ACMG/AMP sequence variant interpretation guidelines (Richards et al. 2015 PMID: 25741868, with internal and published modifications).

Dr. Peter K. Rogan Lab, Western University
No classification provided (evidence only). Condition: Ovarian serous cystadenocarcinoma. Review status: no classification provided. Collection method: in vitro. Allele origin: not applicable. Functional consequence: retained intron. Not counted in ClinVar's aggregate classification.